The following is an entry in ClinVar:

ClinVar aggregate classification (germline): Uncertain significance (1 of 4 stars; one submission).

Allele frequency attached by ClinVar (database versions not stated): gnomAD exomes 0.00001; ExAC 0.00002.
gnomAD v4.1: 8 of 1,614,084 alleles (0.0005%); highest among the groups gnomAD compares: East Asian, 0.0022%; no homozygotes.

Submission:

Labcorp Genetics (formerly Invitae), Labcorp
Classification: Uncertain significance. Last evaluated: 2022-05-24. Review status: criteria provided, single submitter. Criteria: Invitae Variant Classification Sherloc (09022015). Collection method: clinical testing. Allele origin: germline.
Comment: This variant has not been reported in the literature in individuals affected with ARMC9-related conditions. In summary, the available evidence is currently insufficient to determine the role of this variant in disease. Therefore, it has been classified as a Variant of Uncertain Significance. Experimental studies and prediction algorithms are not available or were not evaluated, and the functional significance of this variant is currently unknown. This variant is present in population databases (rs199768804, gnomAD 0.006%). This sequence change replaces isoleucine, which is neutral and non-polar, with valine, which is neutral and non-polar, at codon 106 of the ARMC9 protein (p.Ile106Val).

NM_001352754.2(ARMC9):c.316A>G (p.Ile106Val)

Gene: ARMC9 (armadillo repeat containing 9; plus strand). Cytogenetic location: 2q37.1.
Variant type: single nucleotide variant.
Coding change: c.316A>G on transcript NM_001352754.2 (MANE Select); coding-DNA position 316, A replaced by G.
Protein change: p.Ile106Val; replaces isoleucine 106 with valine.
Molecular consequence: missense variant. On other transcripts: non-coding transcript variant (1).
Genome position (GRCh38, 1-based): chr2:231,214,969, A>G. VCF-style: chr2-231214969-A-G. GRCh37 (hg19) VCF-style: chr2-232079682-A-G.
Other names: c.316A>G, p.Ile106Val (NM_001271466.4, NM_001291656.2, NM_001352755.2 and 5 more transcripts); short protein forms I106V.
Identifiers: ClinVar variation 1980514 (VCV001980514.4), dbSNP rs199768804, ClinGen allele CA2159896.